The following is an entry in ClinVar:

NM_000548.5(TSC2):c.3080_3081del (p.Leu1027fs)

Gene: TSC2 (TSC complex subunit 2; plus strand). Cytogenetic location: 16p13.3.
Variant type: Deletion.
Coding change: c.3080_3081del on transcript NM_000548.5 (MANE Select); coding-DNA positions 3080 to 3081, 2 bases deleted (TG; older notation c.3080_3081delTG).
Protein change: p.Leu1027fs; shifts the reading frame from leucine 1027.
Molecular consequence: frameshift variant. On other transcripts: non-coding transcript variant (5).
Genome position (GRCh38, 1-based): chr16:2,079,145-2,079,146, TG deleted. VCF-style (leftmost placement, unchanged base first): chr16-2079144-CTG-C. GRCh37 (hg19) VCF-style: chr16-2129145-CTG-C.
Other names: c.1607_1608del, p.Leu536fs (NM_001406693.1, NM_001406694.1, NM_001406690.1 and 1 more transcripts); c.1604_1605del, p.Leu535fs (NM_001406695.1, NM_001406696.1, NM_001406697.1 and 1 more transcripts); c.1346_1347del, p.Leu449fs (NM_001406698.1); c.2951_2952del, p.Leu984fs (NM_021055.3, NM_001363528.2, NM_001370405.1); c.2948_2949del, p.Leu983fs (NM_001077183.3, NM_001370404.1, NM_001406665.1); c.3080_3081del, p.Leu1027fs (NM_001114382.3); c.2840_2841del, p.Leu947fs (NM_001318827.2); c.2804_2805del, p.Leu935fs (NM_001318829.2); and 18 more; short protein forms L1013fs, L1014fs, L1026fs, L1027fs, L449fs, L535fs, L536fs, L579fs.
Identifiers: ClinVar variation 4292123 (VCV004292123.1).
Genomic context (GRCh38, chr16:2,079,144, plus strand): 5'-TCCGTGGCCCAGGCTGACGATAGCCTGAAAAACCTCCACCTGGAGCTCACGGAAACCTGT[CTG>C]GACATGATGGCTCGATACGTCTTCTCCAACTTCACGGCTGTCCCGAAGAGGTCCAGGCGG-3'

ClinVar aggregate classification (germline): Likely pathogenic (1 of 4 stars; one submission).

Conditions:
Tuberous sclerosis 2 (TSC2). Identifiers: Orphanet 805, MedGen C1860707, MONDO:0013199, OMIM 613254.

Submission:

3billion
Classification: Likely pathogenic for Tuberous sclerosis 2. Last evaluated: 2025-02-04. Review status: criteria provided, single submitter. Criteria: ACMG Guidelines, 2015. Collection method: clinical testing. Allele origin: germline. Affected: yes.
Comment: The variant is not observed in the gnomAD v4.1.0 dataset. Predicted Consequence/Location: Frameshift: predicted to result in a loss or disruption of normal protein function through nonsense-mediated decay (NMD) or protein truncation. Multiple pathogenic variants are reported downstream of the variant. Therefore, this variant is classified as Likely pathogenic according to the recommendation of ACMG/AMP guideline.